The following is an entry in ClinVar:

NM_006390.4(IPO8):c.2245T>C (p.Cys749Arg)

Gene: IPO8 (importin 8; minus strand). Cytogenetic location: 12p11.21.
Variant type: single nucleotide variant.
Coding change: c.2245T>C on transcript NM_006390.4 (MANE Select); coding-DNA position 2245, T replaced by C.
Protein change: p.Cys749Arg; replaces cysteine 749 with arginine.
Molecular consequence: missense variant.
Genome position (GRCh38, 1-based): chr12:30,649,160, A>G on the plus strand (T>C on the coding strand, the complement: IPO8 is on the minus strand). VCF-style: chr12-30649160-A-G. GRCh37 (hg19) VCF-style: chr12-30802094-A-G.
Other names: c.1630T>C, p.Cys544Arg (NM_001190995.2); short protein forms C544R, C749R.
Identifiers: ClinVar variation 1064725 (VCV001064725.2), dbSNP rs2136136946, ClinGen allele CA384224260.

ClinVar aggregate classification (germline): Likely pathogenic. Review status: criteria provided, single submitter (1 of 4 stars). 2 submissions from 2 submitters: Likely pathogenic (1). 1 of the submissions does not count toward it. Last evaluated 2022-03-09.

Conditions:
VISS syndrome. Also called: VASCULAR ANEURYSM, IMMUNE DYSREGULATION, SKELETAL ANOMALIES, AND SKIN AND JOINT LAXITY. Identifiers: MedGen C5561955, MONDO:0859177, OMIM 619472.
IPO8 related Connective tissue disorder.

Submissions (2):

SIB Swiss Institute of Bioinformatics
Classification: Likely pathogenic for VISS syndrome. Last evaluated: 2022-03-09. Review status: criteria provided, single submitter. Criteria: ACMG Guidelines, 2015. Collection method: curation. Allele origin: unknown.
Comment: This variant is interpreted as likely pathogenic for VISS syndrome, autosomal recessive. The following ACMG Tag(s) were applied: Absent from controls (or at extremely low frequency if recessive) in Exome Sequencing Project, 1000 Genomes Project, or Exome Aggregation Consortium (PM2); Multiple lines of computational evidence support a deleterious effect on the gene or gene product (PP3); Well-established functional studies show a deleterious effect (PS3).

Biochemistry and Genetics Laboratory, University Hospital of Angers
Classification: Pathogenic for IPO8 related Connective tissue disorder. Last evaluated: 2021-04-22. Review status: no assertion criteria provided. Collection method: research. Allele origin: inherited. Affected: yes. Not counted in ClinVar's aggregate classification.

Literature cited by the submitters: PubMed 34010604 (cited by SIB Swiss Institute of Bioinformatics).